The following is an entry in ClinVar:

NM_001005242.3(PKP2):c.1039G>T (p.Ala347Ser)

Gene: PKP2 (plakophilin 2; minus strand). Cytogenetic location: 12p11.21.
Variant type: single nucleotide variant.
Coding change: c.1039G>T on transcript NM_001005242.3 (MANE Select); coding-DNA position 1039, G replaced by T.
Protein change: p.Ala347Ser; replaces alanine 347 with serine.
Molecular consequence: missense variant.
Genome position (GRCh38, 1-based): chr12:32,869,058, C>A on the plus strand (G>T on the coding strand, the complement: PKP2 is on the minus strand). VCF-style: chr12-32869058-C-A. GRCh37 (hg19) VCF-style: chr12-33021992-C-A.
Other names: c.712G>T, p.Ala238Ser (NM_001407159.1, NM_001407160.1, NM_001407162.1 and 1 more transcripts); c.1039G>T, p.Ala347Ser (NM_001407161.1, NM_004572.4, NM_001407155.1 and 2 more transcripts); short protein forms A347S, A238S.
Identifiers: ClinVar variation 4751179 (VCV004751179.3).
Genomic context (GRCh38, chr12:32,869,058, plus strand): 5'-GCAGCATGTGGTCTGCCTCGAGCATACTCACTGCTCGCTCCAGAGTCATCTCCATGTCTG[C>A]ATTCCTAGACAAACAGGCACAGATTCAGCCAGATTCCAAACCTCCCTCCTCCTGCCTACC-3'
Protein context (NP_001005242.2, residues 337-357): STFTDSQLGN[Ala347Ser]DMEMTLERAV

ClinVar aggregate classification (germline): Uncertain significance. Review status: criteria provided, multiple submitters, no conflicts (2 of 4 stars). 2 submissions from 2 submitters: Uncertain significance (2). Last evaluated 2026-09-11.

Conditions:
Arrhythmogenic right ventricular dysplasia 9 (ARVD9). Also called: Arrhythmogenic Right Ventricular Dysplasia/Cardiomyopathy 9; ARRHYTHMOGENIC RIGHT VENTRICULAR DYSPLASIA, FAMILIAL, 9. Identifiers: MedGen C1836906, MONDO:0012180, OMIM 609040.
Cardiovascular phenotype. Identifiers: MedGen CN230736.

Submissions (2):

Ambry Genetics
Classification: Uncertain significance for Cardiovascular phenotype. Last evaluated: 2026-09-11. Review status: criteria provided, single submitter. Criteria: Ambry Variant Classification Scheme 2023. Collection method: clinical testing. Allele origin: germline.
Comment: The p.A347S variant (also known as c.1039G>T), located in coding exon 4 of the PKP2 gene, results from a G to T substitution at nucleotide position 1039. The alanine at codon 347 is replaced by serine, an amino acid with similar properties. This amino acid position is conserved. In addition, this alteration is predicted to be tolerated by in silico analysis. Based on the available evidence, the clinical significance of this variant remains unclear.

Labcorp Genetics (formerly Invitae), Labcorp
Classification: Uncertain significance for Arrhythmogenic right ventricular dysplasia 9. Last evaluated: 2025-12-29. Review status: criteria provided, single submitter. Criteria: Invitae Variant Classification Sherloc (09022015). Collection method: clinical testing. Allele origin: germline.
Comment: This sequence change replaces alanine, which is neutral and non-polar, with serine, which is neutral and polar, at codon 347 of the PKP2 protein (p.Ala347Ser). This variant is not present in population databases (gnomAD no frequency). This variant has not been reported in the literature in individuals affected with PKP2-related conditions. An algorithm developed to predict the effect of missense changes on protein structure and function (PolyPhen-2) suggests that this variant is likely to be tolerated. In summary, the available evidence is currently insufficient to determine the role of this variant in disease. Therefore, it has been classified as a Variant of Uncertain Significance.